The following is an entry in ClinVar:

ClinVar aggregate classification (germline): Uncertain significance (1 of 4 stars; one submission).

Conditions:
Familial isolated arrhythmogenic right ventricular dysplasia. Identifiers: Orphanet 217656, MedGen C4274968, MONDO:0016342.

Submission:

All of Us Research Program, National Institutes of Health
Classification: Uncertain significance for Familial isolated arrhythmogenic right ventricular dysplasia. Last evaluated: 2023-11-20. Review status: criteria provided, single submitter. Criteria: ACMG Guidelines, 2015. Collection method: clinical testing. Allele origin: germline. Inheritance: Autosomal dominant inheritance. Observed: 1 variant allele, 1 heterozygote.
Comment: This missense variant replaces proline with arginine at codon 602 of the DSC2 protein. Computational prediction suggests that this variant may not impact protein structure and function (internally defined REVEL score threshold <= 0.5, PMID: 27666373). To our knowledge, functional studies have not been reported for this variant. This variant has not been reported in individuals affected with DSC2-related disorders in the literature. This variant has not been identified in the general population by the Genome Aggregation Database (gnomAD). The available evidence is insufficient to determine the role of this variant in disease conclusively. Therefore, this variant is classified as a Variant of Uncertain Significance.

This study involves interpretation of variants in research participants for the purpose of population health screening. Participant phenotype was not available at the time of variant classification. Additional details can be found in publication PMID: 35346344, PMCID: PMC8962531

NM_024422.6(DSC2):c.1805C>G (p.Pro602Arg)

Gene: DSC2 (desmocollin 2; minus strand). Cytogenetic location: 18q12.1.
Variant type: single nucleotide variant.
Coding change: c.1805C>G on transcript NM_024422.6 (MANE Select); coding-DNA position 1805, C replaced by G.
Protein change: p.Pro602Arg; replaces proline 602 with arginine.
Molecular consequence: missense variant.
Genome position (GRCh38, 1-based): chr18:31,074,766, G>C on the plus strand (C>G on the coding strand, the complement: DSC2 is on the minus strand). VCF-style: chr18-31074766-G-C. GRCh37 (hg19) VCF-style: chr18-28654732-G-C.
Other names: c.1376C>G, p.Pro459Arg (NM_001406506.1, NM_001406507.1); c.1805C>G, p.Pro602Arg (NM_004949.5); short protein forms P459R, P602R.
Identifiers: ClinVar variation 3074629 (VCV003074629.1), dbSNP rs1598575874, ClinGen allele CA402113973.